The following is an entry in ClinVar:

NM_000719.7(CACNA1C):c.478-11_478-10del

Gene: CACNA1C (calcium voltage-gated channel subunit alpha1 C; plus strand). Cytogenetic location: 12p13.33.
Variant type: Deletion.
Coding change: c.478-11_478-10del on transcript NM_000719.7 (MANE Select); 11 bases into the intron before coding-DNA position 478 through 10 bases into the intron before coding-DNA position 478, 2 bases deleted (CT; older notation c.478-11_478-10delCT).
Molecular consequence: intron variant.
Genome position (GRCh38, 1-based): chr12:2,448,965-2,448,966, CT deleted; deleting any 2 consecutive bases within chr12:2,448,964-2,448,966 gives the same sequence; the c. name uses the placement nearest the transcript's 3' end. VCF-style (leftmost placement, unchanged base first): chr12-2448963-TTC-T. GRCh37 (hg19) VCF-style: chr12-2558129-TTC-T.
Other names: c.478-11_478-10del (NM_001167624.3, NM_001167623.2, NM_001167625.2 and 19 more transcripts); c.478-11_478-10delCT (NM_000719.6).
Identifiers: ClinVar variation 1582597 (VCV001582597.10), dbSNP rs750093371, ClinGen allele CA6388466.

ClinVar aggregate classification (germline): Likely benign. Review status: criteria provided, single submitter (1 of 4 stars). 2 submissions from 2 submitters: Likely benign (1). 1 of the submissions does not count toward it. Last evaluated 2025-10-01.

Conditions:
CACNA1C-related disorder. Also called: CACNA1C-related disorders; CACNA1C-related condition. Identifiers: MedGen CN381092, MONDO:0700321.
Long QT syndrome (LQTS). Identifiers: MedGen C0023976, MeSH D008133, MONDO:0002442. Disease mechanism: loss of function. Inheritance: Various modes of inheritance.

Submissions (2):

Labcorp Genetics (formerly Invitae), Labcorp
Classification: Likely benign for Long QT syndrome. Last evaluated: 2025-10-01. Review status: criteria provided, single submitter. Criteria: Invitae Variant Classification Sherloc (09022015). Collection method: clinical testing. Allele origin: germline.

PreventionGenetics, part of Exact Sciences
Classification: Likely benign for CACNA1C-related condition. Last evaluated: 2023-09-29. Review status: no assertion criteria provided. Collection method: clinical testing. Allele origin: germline. Not counted in ClinVar's aggregate classification.
Comment: This variant is classified as likely benign based on ACMG/AMP sequence variant interpretation guidelines (Richards et al. 2015 PMID: 25741868, with internal and published modifications).